The following is an entry in ClinVar:

ClinVar aggregate classification (germline): Uncertain significance (1 of 4 stars; one submission).

Submission:

Labcorp Genetics (formerly Invitae), Labcorp
Classification: Uncertain significance. Last evaluated: 2021-10-01. Review status: criteria provided, single submitter. Criteria: Invitae Variant Classification Sherloc (09022015). Collection method: clinical testing. Allele origin: germline.
Comment: This sequence change replaces glycine with serine at codon 201 of the PPCS protein (p.Gly201Ser). The glycine residue is highly conserved and there is a small physicochemical difference between glycine and serine. This variant is not present in population databases (ExAC no frequency). This variant has not been reported in the literature in individuals affected with PPCS-related conditions. Algorithms developed to predict the effect of missense changes on protein structure and function (SIFT, PolyPhen-2, Align-GVGD) all suggest that this variant is likely to be tolerated. In summary, the available evidence is currently insufficient to determine the role of this variant in disease. Therefore, it has been classified as a Variant of Uncertain Significance.

NM_024664.4(PPCS):c.601G>A (p.Gly201Ser)

Genes: PPCS (phosphopantothenoylcysteine synthetase; plus strand), CCDC30 (coiled-coil domain containing 30; plus strand). Cytogenetic location: 1p34.2.
Variant type: single nucleotide variant.
Coding change: c.601G>A on transcript NM_024664.4 (MANE Select); coding-DNA position 601, G replaced by A.
Protein change: p.Gly201Ser; replaces glycine 201 with serine.
Molecular consequence: missense variant. On other transcripts: 5 prime UTR variant (2).
Genome position (GRCh38, 1-based): chr1:42,457,339, G>A. VCF-style: chr1-42457339-G-A. GRCh37 (hg19) VCF-style: chr1-42923010-G-A.
Other names: c.-891G>A (NM_001355226.2); c.82G>A, p.Gly28Ser (NM_001077447.3, NM_001287506.1, NM_001287508.2 and 2 more transcripts); c.-235G>A (NM_001287507.1); c.601G>A, p.Gly201Ser (NM_001287511.2); short protein forms G28S, G201S.
Identifiers: ClinVar variation 1460660 (VCV001460660.6), dbSNP rs947843350, ClinGen allele CA21217514.
Genomic context (GRCh38, chr1:42,457,339, plus strand): 5'-GTGTCAGATTTCTATGTTCCTGTCTCTGAAATGCCTGAACACAAGATCCAGTCATCTGGG[G>A]GCCCACTGCAGGTGATGGGCGCTTCTCTTCCAGAGATCTAATCCCATATAACCAATCTTG-3'
Protein context (NP_078940.2, residues 191-211): MPEHKIQSSG[Gly201Ser]PLQITMKMVP